The following is an entry in ClinVar:

ClinVar aggregate classification (germline): Uncertain significance. Review status: criteria provided, multiple submitters, no conflicts (2 of 4 stars). 2 submissions from 2 submitters: Uncertain significance (2). Last evaluated 2025-03-23.

gnomAD v4.1: 6 of 1,610,174 alleles (0.00037%); highest among the groups gnomAD compares: Middle Eastern, 0.017%; no homozygotes.

Submissions (2):

Labcorp Genetics (formerly Invitae), Labcorp
Classification: Uncertain significance. Last evaluated: 2025-03-23. Review status: criteria provided, single submitter. Criteria: Invitae Variant Classification Sherloc (09022015). Collection method: clinical testing. Allele origin: germline.
Comment: This sequence change replaces methionine, which is neutral and non-polar, with isoleucine, which is neutral and non-polar, at codon 736 of the TMC1 protein (p.Met736Ile). This variant also falls at the last nucleotide of exon 22, which is part of the consensus splice site for this exon. This variant is not present in population databases (gnomAD no frequency). This variant has not been reported in the literature in individuals affected with TMC1-related conditions. Invitae Evidence Modeling of protein sequence and biophysical properties (such as structural, functional, and spatial information, amino acid conservation, physicochemical variation, residue mobility, and thermodynamic stability) indicates that this missense variant is not expected to disrupt TMC1 protein function with a negative predictive value of 80%. Variants that disrupt the consensus splice site are a relatively common cause of aberrant splicing (PMID: 17576681, 9536098). Algorithms developed to predict the effect of sequence changes on RNA splicing suggest that this variant may disrupt the consensus splice site. In summary, the available evidence is currently insufficient to determine the role of this variant in disease. Therefore, it has been classified as a Variant of Uncertain Significance.

Blueprint Genetics
Classification: Uncertain significance. Last evaluated: 2019-03-05. Review status: criteria provided, single submitter. Criteria: ACMG Guidelines, 2015. Collection method: clinical testing. Allele origin: germline.

Literature cited by the submitters: PubMed 17576681 (cited by Labcorp Genetics (formerly Invitae), Labcorp); PubMed 9536098 (cited by Labcorp Genetics (formerly Invitae), Labcorp).

NM_138691.3(TMC1):c.2208G>C (p.Met736Ile)

Gene: TMC1 (transmembrane channel like 1; plus strand). Cytogenetic location: 9q21.13.
Variant type: single nucleotide variant.
Coding change: c.2208G>C on transcript NM_138691.3 (MANE Select); coding-DNA position 2208, G replaced by C.
Protein change: p.Met736Ile; replaces methionine 736 with isoleucine.
Molecular consequence: missense variant.
Genome position (GRCh38, 1-based): chr9:72,830,529, G>C. VCF-style: chr9-72830529-G-C. GRCh37 (hg19) VCF-style: chr9-75445445-G-C.
Other names: short protein forms M736I.
Identifiers: ClinVar variation 4702375 (VCV004702375.2).